The following is an entry in ClinVar:

ClinVar aggregate classification (germline): Uncertain significance (1 of 4 stars; one submission).

Submission:

Labcorp Genetics (formerly Invitae), Labcorp
Classification: Uncertain significance. Last evaluated: 2023-09-03. Review status: criteria provided, single submitter. Criteria: Invitae Variant Classification Sherloc (09022015). Collection method: clinical testing. Allele origin: unknown.
Comment: This variant results in a copy number gain of the genomic region encompassing exon(s) 1-35 of the COL11A1 gene. This region includes the initiator codon of the gene. This copy number gain extends beyond the assayed region for this gene and therefore may encompass additional genes. As the precise location of this event is unknown, it may be in tandem or it may be located elsewhere in the genome. This variant has not been reported in the literature in individuals affected with COL11A1-related conditions. Experimental studies and prediction algorithms are not available or were not evaluated, and the functional significance of this variant is currently unknown. In summary, the available evidence is currently insufficient to determine the role of this variant in disease. Therefore, it has been classified as a Variant of Uncertain Significance.

NC_000001.10:g.(?_103444244)_(103573734_?)dup

Gene: COL11A1 (collagen type XI alpha 1 chain; minus strand). Cytogenetic location: 1p21.1.
Variant type: Duplication.
Identifiers: ClinVar variation 3247928 (VCV003247928.1).